The following is an entry in ClinVar:

NM_007294.4(BRCA1):c.-16A>T

Gene: BRCA1 (BRCA1 DNA repair associated; minus strand). Cytogenetic location: 17q21.31.
Variant type: single nucleotide variant.
Coding change: c.-16A>T on transcript NM_007294.4 (MANE Select); 16 bases upstream of the start codon, A replaced by T.
Molecular consequence: 5 prime UTR variant. On other transcripts: non-coding transcript variant (1).
Genome position (GRCh38, 1-based): chr17:43,124,112, T>A on the plus strand (A>T on the coding strand, the complement: BRCA1 is on the minus strand). VCF-style: chr17-43124112-T-A. GRCh37 (hg19) VCF-style: chr17-41276129-T-A.
Other names: c.-276A>T (NM_001407838.1, NM_001407847.1, NM_001407850.1 and 22 more transcripts); c.-153A>T (NM_001407841.1); c.-273A>T (NM_001407842.1, NM_001407843.1, NM_001407930.1 and 11 more transcripts); c.-103A>T (NM_001407845.1, NM_001407849.1, NM_001407852.1 and 21 more transcripts); c.-302A>T (NM_001407846.1, NM_001407920.1, NM_001407697.1); c.-204A>T (NM_001407853.1, NM_001407879.1, NM_001407882.1 and 42 more transcripts); c.-16A>T (NM_001407854.1, NM_001407858.1, NM_001407859.1 and 169 more transcripts); c.-150A>T (NM_001407881.1, NM_001407898.1, NM_001407902.1); and 8 more.
Identifiers: ClinVar variation 869032 (VCV000869032.3), dbSNP rs777262055, ClinGen allele CA916081167.

Conditions:
Breast-ovarian cancer, familial, susceptibility to, 1 (BROVCA1). Also called: BRCA1 Hereditary Breast and Ovarian Cancer; OVARIAN CANCER, SUSCEPTIBILITY TO. Identifiers: Orphanet 145, MedGen C2676676, MONDO:0011450, OMIM 604370. Disease mechanism: loss of function.

gnomAD v4.1: 1 of 1,595,492 alleles (0.000063%); highest among the groups gnomAD compares: South Asian, 0.0011%; no homozygotes.

Submission:

Brotman Baty Institute, University of Washington
No classification provided (evidence only). Condition: Breast-ovarian cancer, familial 1. Review status: no classification provided. Collection method: in vitro. Allele origin: not applicable. Functional consequence: functionally_normal.
ClinVar note: "not provided" was previously submitted as the classification for the variant. However, the classification appeared to be based only on an observation of functional data so it was converted to no classification on 2025-07-30.